The following is an entry in ClinVar:

NM_018136.5(ASPM):c.1976T>C (p.Ile659Thr)

Gene: ASPM (assembly factor for spindle microtubules; minus strand). Cytogenetic location: 1q31.3.
Variant type: single nucleotide variant.
Coding change: c.1976T>C on transcript NM_018136.5 (MANE Select); coding-DNA position 1976, T replaced by C.
Protein change: p.Ile659Thr; replaces isoleucine 659 with threonine.
Molecular consequence: missense variant.
Genome position (GRCh38, 1-based): chr1:197,139,817, A>G on the plus strand (T>C on the coding strand, the complement: ASPM is on the minus strand). VCF-style: chr1-197139817-A-G. GRCh37 (hg19) VCF-style: chr1-197108947-A-G.
Other names: c.1976T>C, p.Ile659Thr (NM_001206846.2); short protein forms I659T.
Identifiers: ClinVar variation 1913611 (VCV001913611.5), dbSNP rs138726165, ClinGen allele CA1310602.

ClinVar aggregate classification (germline): Uncertain significance (1 of 4 stars; one submission).

Allele frequency attached by ClinVar (database versions not stated): gnomAD 0.00001; gnomAD exomes 0.00001; TOPMed 0.00002; ESP Exome Variant Server 0.00008.
gnomAD v4.1: 6 of 1,612,434 alleles (0.00037%); highest among the groups gnomAD compares: African/African-American, 0.0067%; no homozygotes.

Submission:

Labcorp Genetics (formerly Invitae), Labcorp
Classification: Uncertain significance. Last evaluated: 2025-12-02. Review status: criteria provided, single submitter. Criteria: Invitae Variant Classification Sherloc (09022015). Collection method: clinical testing. Allele origin: germline.
Comment: This sequence change replaces isoleucine, which is neutral and non-polar, with threonine, which is neutral and polar, at codon 659 of the ASPM protein (p.Ile659Thr). This variant is present in population databases (rs138726165, gnomAD 0.007%). This variant has not been reported in the literature in individuals affected with ASPM-related conditions. ClinVar contains an entry for this variant (Variation ID: 1913611). Invitae Evidence Modeling of protein sequence and biophysical properties (such as structural, functional, and spatial information, amino acid conservation, physicochemical variation, residue mobility, and thermodynamic stability) indicates that this missense variant is not expected to disrupt ASPM protein function with a negative predictive value of 80%. In summary, the available evidence is currently insufficient to determine the role of this variant in disease. Therefore, it has been classified as a Variant of Uncertain Significance.